The following is an entry in ClinVar:

ClinVar aggregate classification (germline): Conflicting classifications of pathogenicity. Review status: criteria provided, conflicting classifications (1 of 4 stars). 4 submissions from 4 submitters: Uncertain significance (3); Likely benign (1). Last evaluated 2025-10-10.

Conditions:
Inborn genetic diseases. Identifiers: MedGen C0950123, MeSH D030342.

Allele frequency attached by ClinVar (database versions not stated): 1000 Genomes Project 0.00020; 1000 Genomes Project 30x 0.00031.
gnomAD v4.1: 96 of 1,551,690 alleles (0.0062%); highest among the groups gnomAD compares: African/African-American, 0.023%; no homozygotes.

Submissions (4):

Labcorp Genetics (formerly Invitae), Labcorp
Classification: Likely benign. Last evaluated: 2025-10-10. Review status: criteria provided, single submitter. Criteria: Invitae Variant Classification Sherloc (09022015). Collection method: clinical testing. Allele origin: germline.

Ambry Genetics
Classification: Uncertain significance for Inborn genetic diseases. Last evaluated: 2025-01-22. Review status: criteria provided, single submitter. Criteria: Ambry Variant Classification Scheme 2023. Collection method: clinical testing. Allele origin: germline.

Blueprint Genetics
Classification: Uncertain significance. Last evaluated: 2024-11-18. Review status: criteria provided, single submitter. Criteria: ACMG Guidelines, 2015. Collection method: clinical testing. Allele origin: germline.

GeneDx
Classification: Uncertain significance. Last evaluated: 2022-04-23. Review status: criteria provided, single submitter. Criteria: GeneDx Variant Classification Process June 2021. Collection method: clinical testing. Allele origin: germline. Affected: yes.
Comment: In silico analysis supports that this missense variant has a deleterious effect on protein structure/function; Has not been previously published as pathogenic or benign to our knowledge

NM_001371986.1(UNC80):c.1079G>T (p.Arg360Leu)

Gene: UNC80 (unc-80 subunit of NALCN channel complex; plus strand). Cytogenetic location: 2q34.
Variant type: single nucleotide variant.
Coding change: c.1079G>T on transcript NM_001371986.1 (MANE Select); coding-DNA position 1079, G replaced by T.
Protein change: p.Arg360Leu; replaces arginine 360 with leucine.
Molecular consequence: missense variant.
Genome position (GRCh38, 1-based): chr2:209,813,720, G>T. VCF-style: chr2-209813720-G-T. GRCh37 (hg19) VCF-style: chr2-210678444-G-T.
Other names: c.1079G>T, p.Arg360Leu (NM_032504.2, NM_182587.4); short protein forms R360L.
Identifiers: ClinVar variation 1406796 (VCV001406796.10), dbSNP rs532329476, ClinGen allele CA2082899.
Genomic context (GRCh38, chr2:209,813,720, plus strand): 5'-AGCCCCATTGGTCTGAGGAAGGCACTCAGTGGTCTCTGATGTACTATCTACAAAGGCTGC[G>T]ACACATGTTGGAAGAGAAGCCAGAAAAGCCTCCGGAGCCAGATATTCCTCTCCTGCCCAG-3'
Protein context (NP_001358915.1, residues 350-370): WSLMYYLQRL[Arg360Leu]HMLEEKPEKP